The following is an entry in ClinVar:

ClinVar aggregate classification (germline): Likely benign. Review status: criteria provided, multiple submitters, no conflicts (2 of 4 stars). 2 submissions from 2 submitters: Likely benign (2). Last evaluated 2025-07-29.

gnomAD v4.1: 9 of 1,614,118 alleles (0.00056%); highest among the groups gnomAD compares: Non-Finnish European, 0.00068%; no homozygotes.

Submissions (2):

Labcorp Genetics (formerly Invitae), Labcorp
Classification: Likely benign. Last evaluated: 2025-07-29. Review status: criteria provided, single submitter. Criteria: Invitae Variant Classification Sherloc (09022015). Collection method: clinical testing. Allele origin: germline.

CeGaT Center for Human Genetics Tuebingen
Classification: Likely benign. Last evaluated: 2023-04-01. Review status: criteria provided, single submitter. Criteria: CeGaT Center For Human Genetics Tuebingen Variant Classification Criteria Version 2. Collection method: clinical testing. Allele origin: germline. Affected: yes. Observed: 1 variant allele.
Comment: PPP2R5D: PM2:Supporting, BP4, BP7

NM_006245.4(PPP2R5D):c.1419T>C (p.Phe473=)

Gene: PPP2R5D (protein phosphatase 2 regulatory subunit B'delta; plus strand). Cytogenetic location: 6p21.1.
Variant type: single nucleotide variant.
Coding change: c.1419T>C on transcript NM_006245.4 (MANE Select); coding-DNA position 1419, T replaced by C.
Protein change: p.Phe473=; no amino-acid change (phenylalanine 473 retained).
Molecular consequence: synonymous variant.
Genome position (GRCh38, 1-based): chr6:43,010,507, T>C. VCF-style: chr6-43010507-T-C. GRCh37 (hg19) VCF-style: chr6-42978245-T-C.
Other names: c.966T>C, p.Phe322= (NM_001270476.2); c.1323T>C, p.Phe441= (NM_180976.3); c.1101T>C, p.Phe367= (NM_180977.3).
Identifiers: ClinVar variation 2656569 (VCV002656569.25), dbSNP rs375663526, ClinGen allele CA450253087.
Genomic context (GRCh38, chr6:43,010,507, plus strand): 5'-CATCTTTCTTCTTGGTGGCAGGACAATCCATGGACTGATCTATAATGCCCTGAAGTTGTT[T>C]ATGGAAATGAATCAGAAGCTGTTTGATGACTGCACACAACAATACAAGGCAGAGAAGCAG-3'
Protein context (NP_006236.1, residues 463-483): HGLIYNALKL[Phe473=]MEMNQKLFDD